The following is an entry in ClinVar:

ClinVar aggregate classification (germline): Likely benign (1 of 4 stars; one submission).

Allele frequency attached by ClinVar (database versions not stated): 1000 Genomes Project 0.00280; 1000 Genomes Project 30x 0.00297; TOPMed 0.00493; ExAC 0.00502; gnomAD 0.00555; ESP Exome Variant Server 0.00584; gnomAD exomes 0.00900.
gnomAD v4.1: 13,831 of 1,613,706 alleles (0.86%); highest among the groups gnomAD compares: Non-Finnish European, 1%; 90 homozygotes.

Submission:

CeGaT Center for Human Genetics Tuebingen
Classification: Likely benign. Last evaluated: 2023-02-01. Review status: criteria provided, single submitter. Criteria: CeGaT Center For Human Genetics Tuebingen Variant Classification Criteria Version 2. Collection method: clinical testing. Allele origin: germline. Affected: yes. Observed: 1 variant allele.
Comment: SS18L1: BP4, BP7, BS2

NM_198935.3(SS18L1):c.1128G>A (p.Pro376=)

Gene: SS18L1 (SS18L1 subunit of BAF chromatin remodeling complex; plus strand). Cytogenetic location: 20q13.33.
Variant type: single nucleotide variant.
Coding change: c.1128G>A on transcript NM_198935.3 (MANE Select); coding-DNA position 1128, G replaced by A.
Protein change: p.Pro376=; no amino-acid change (proline 376 retained).
Molecular consequence: synonymous variant. On other transcripts: non-coding transcript variant (2).
Genome position (GRCh38, 1-based): chr20:62,174,608, G>A. VCF-style: chr20-62174608-G-A. GRCh37 (hg19) VCF-style: chr20-60749664-G-A.
Other names: c.735G>A, p.Pro245= (NM_001301778.2).
Identifiers: ClinVar variation 2652467 (VCV002652467.24), dbSNP rs115792477, ClinGen allele CA9937435.